The following is an entry in ClinVar:

ClinVar aggregate classification (germline): Uncertain significance. Review status: criteria provided, multiple submitters, no conflicts (2 of 4 stars). 6 submissions from 6 submitters: Uncertain significance (4). 2 of the submissions do not count toward it. Last evaluated 2025-10-17.

Conditions:
PKHD1-related disorder. Also called: PKHD1-related condition.
Polycystic kidney disease 4 (PKD4). Also called: PKD3; POLYCYSTIC KIDNEY AND HEPATIC DISEASE 1; POLYCYSTIC KIDNEY DISEASE, INFANTILE, TYPE I; POLYCYSTIC KIDNEY DISEASE 4 WITH OR WITHOUT POLYCYSTIC LIVER DISEASE; Autosomal Recessive Polycystic Kidney Disease – PKHD1. Identifiers: MedGen C4540575, MONDO:0033004, OMIM 263200.
Inborn genetic diseases. Identifiers: MedGen C0950123, MeSH D030342.
Autosomal recessive polycystic kidney disease (ARPKD). Also called: AR polycystic kidney disease. Identifiers: Orphanet 731, Orphanet 8378, MedGen C0085548, MeSH D017044, MONDO:0009889.

Allele frequency attached by ClinVar (database versions not stated): gnomAD exomes below 0.00001 and 0.00001; ExAC 0.00002; gnomAD 0.00005; TOPMed 0.00005; ESP Exome Variant Server 0.00008; 1000 Genomes Project 0.00020; 1000 Genomes Project 30x 0.00031.

Submissions (6):

Ambry Genetics
Classification: Uncertain significance for Inborn genetic diseases. Last evaluated: 2025-10-17. Review status: criteria provided, single submitter. Criteria: Ambry Variant Classification Scheme 2023. Collection method: clinical testing. Allele origin: germline.

Fulgent Genetics
Classification: Uncertain significance for Polycystic kidney disease 4. Last evaluated: 2021-12-24. Review status: criteria provided, single submitter. Criteria: ACMG Guidelines, 2015. Collection method: clinical testing. Allele origin: unknown.

Labcorp Genetics (formerly Invitae), Labcorp
Classification: Uncertain significance for Autosomal recessive polycystic kidney disease. Last evaluated: 2021-08-24. Review status: criteria provided, single submitter. Criteria: Invitae Variant Classification Sherloc (09022015). Collection method: clinical testing. Allele origin: germline.
Comment: This sequence change replaces alanine with serine at codon 17 of the PKHD1 protein (p.Ala17Ser). The alanine residue is moderately conserved and there is a moderate physicochemical difference between alanine and serine. This variant is present in population databases (rs149293970, ExAC 0.02%). This variant has not been reported in the literature in individuals affected with PKHD1-related conditions. ClinVar contains an entry for this variant (Variation ID: 909295). Advanced modeling of protein sequence and biophysical properties (such as structural, functional, and spatial information, amino acid conservation, physicochemical variation, residue mobility, and thermodynamic stability) performed at Invitae indicates that this missense variant is not expected to disrupt PKHD1 protein function. In summary, the available evidence is currently insufficient to determine the role of this variant in disease. Therefore, it has been classified as a Variant of Uncertain Significance.

Illumina Laboratory Services, Illumina
Classification: Uncertain significance for Polycystic kidney disease 4. Last evaluated: 2018-01-13. Review status: criteria provided, single submitter. Criteria: ICSL Variant Classification Criteria 13 December 2019. Collection method: clinical testing. Allele origin: germline.

PreventionGenetics, part of Exact Sciences
Classification: Uncertain significance for PKHD1-related condition. Last evaluated: 2024-09-20. Review status: no assertion criteria provided. Collection method: clinical testing. Allele origin: germline. Not counted in ClinVar's aggregate classification.
Comment: The PKHD1 c.49G>T variant is predicted to result in the amino acid substitution p.Ala17Ser. To our knowledge, this variant has not been reported in the literature. This variant is reported in 0.024% of alleles in individuals of African descent in gnomAD. At this time, the clinical significance of this variant is uncertain due to the absence of conclusive functional and genetic evidence.

Natera, Inc.
Classification: Uncertain significance for Autosomal recessive polycystic kidney disease. Last evaluated: 2018-07-25. Review status: no assertion criteria provided. Collection method: clinical testing. Allele origin: germline. Not counted in ClinVar's aggregate classification.

NM_138694.4(PKHD1):c.49G>T (p.Ala17Ser)

Gene: PKHD1 (PKHD1 ciliary IPT domain containing fibrocystin/polyductin; minus strand). Cytogenetic location: 6p12.2.
Variant type: single nucleotide variant.
Coding change: c.49G>T on transcript NM_138694.4 (MANE Select); coding-DNA position 49, G replaced by T.
Protein change: p.Ala17Ser; replaces alanine 17 with serine.
Molecular consequence: missense variant.
Genome position (GRCh38, 1-based): chr6:52,084,885, C>A on the plus strand (G>T on the coding strand, the complement: PKHD1 is on the minus strand). VCF-style: chr6-52084885-C-A. GRCh37 (hg19) VCF-style: chr6-51949683-C-A.
Other names: c.49G>T, p.Ala17Ser (NM_170724.3); short protein forms A17S.
Identifiers: ClinVar variation 909295 (VCV000909295.15), dbSNP rs149293970, ClinGen allele CA3854070.